The following is an entry in ClinVar:

NM_018910.3(PCDHA7):c.1617T>C (p.Asp539=)

Genes: PCDHA1 (protocadherin alpha 1; plus strand), PCDHA2 (protocadherin alpha 2; plus strand), PCDHA3 (protocadherin alpha 3; plus strand), PCDHA4 (protocadherin alpha 4; plus strand), PCDHA5 (protocadherin alpha 5; plus strand) and 3 more. Cytogenetic location: 5q31.3.
Variant type: single nucleotide variant.
Coding change: c.1617T>C on transcript NM_018910.3 (MANE Select); coding-DNA position 1617, T replaced by C.
Protein change: p.Asp539=; no amino-acid change (aspartic acid 539 retained).
Molecular consequence: synonymous variant. On other transcripts: intron variant (8).
Genome position (GRCh38, 1-based): chr5:140,836,000, T>C. VCF-style: chr5-140836000-T-C. GRCh37 (hg19) VCF-style: chr5-140215585-T-C.
Other names: c.1617T>C, p.Asp539= (NM_031852.2); c.2394+47316T>C (NM_018900.4); c.1602+48108T>C (NM_031411.3); c.2388+38648T>C (NM_018905.3); c.2394+32409T>C (NM_018906.3); c.2385+26428T>C (NM_018907.4); c.2352+11873T>C (NM_018908.3); c.2394+5515T>C (NM_018909.4); and 1 more.
Identifiers: ClinVar variation 2655765 (VCV002655765.22), dbSNP rs143767190, ClinGen allele CA3449154.

ClinVar aggregate classification (germline): Likely benign (1 of 4 stars; one submission).

Allele frequency attached by ClinVar (database versions not stated): gnomAD exomes 0.00073; gnomAD 0.00270; 1000 Genomes Project 30x 0.00375.
gnomAD v4.1: 1,476 of 1,613,102 alleles (0.092%); highest among the groups gnomAD compares: East Asian, 1.3%; 25 homozygotes.

Submission:

CeGaT Center for Human Genetics Tuebingen
Classification: Likely benign. Last evaluated: 2022-09-01. Review status: criteria provided, single submitter. Criteria: CeGaT Center For Human Genetics Tuebingen Variant Classification Criteria Version 2. Collection method: clinical testing. Allele origin: germline. Affected: yes. Observed: 1 variant allele.
Comment: PCDHA7: BP4, BP7